The following is an entry in ClinVar:

NM_000059.4(BRCA2):c.8961_8964del (p.Ser2988fs)

Gene: BRCA2 (BRCA2 DNA repair associated; plus strand). Cytogenetic location: 13q13.1.
Variant type: Deletion.
Coding change: c.8961_8964del on transcript NM_000059.4 (MANE Select); coding-DNA positions 8961 to 8964, 4 bases deleted (GAGT; older notation c.8961_8964delGAGT).
Protein change: p.Ser2988fs; shifts the reading frame from serine 2988.
Molecular consequence: frameshift variant.
Genome position (GRCh38, 1-based): chr13:32,379,757-32,379,760, GAGT deleted; deleting any 4 consecutive bases within chr13:32,379,756-32,379,760 gives the same sequence; the c. name uses the placement nearest the transcript's 3' end. VCF-style (leftmost placement, unchanged base first): chr13-32379755-CTGAG-C. GRCh37 (hg19) VCF-style: chr13-32953892-CTGAG-C.
Other names: 9189del4; NP_000050.3:p.Ser2988PhefsTer12; 9189DEL4; c.8961_8964delGAGT (NM_000059.3).
Identifiers: ClinVar variation 52714 (VCV000052714.51), dbSNP rs80359734, ClinGen allele CA025901.

ClinVar aggregate classification (germline): Pathogenic. Review status: reviewed by expert panel (3 of 4 stars). 19 submissions from 17 submitters: Pathogenic (1). 18 of the submissions do not count toward it. Last evaluated 2016-09-08.

Conditions:
Pancreatic cancer, susceptibility to, 2. Identifiers: Orphanet 1333, MedGen C3150546, MONDO:0013235, OMIM 613347.
Glioma susceptibility 3 (GLM3). Also called: Glioblastoma 3. Identifiers: Orphanet 182067, Orphanet 360, MedGen C2751641, MONDO:0013093, OMIM 613029.
Familial prostate cancer. Also called: Hereditary Prostate Cancer. Identifiers: MedGen C2931456, MONDO:0700275, OMIM 176807.
Breast-ovarian cancer, familial, susceptibility to, 2 (BROVCA2). Also called: BRCA2 Hereditary Breast and Ovarian Cancer. Identifiers: Orphanet 145, MedGen C2675520, MONDO:0012933, OMIM 612555. Disease mechanism: loss of function.
Fanconi anemia complementation group D1. Also called: BRCA2-Related Fanconi Anemia. Identifiers: Orphanet 319462, MedGen C1838457, MONDO:0011584, OMIM 605724.
Medulloblastoma (MDB). Also called: Medulloblastoma, somatic; MEDULLOBLASTOMA PREDISPOSITION SYNDROME. Identifiers: Orphanet 616, MedGen C0025149, MeSH D008527, MONDO:0007959, OMIM 155255, HP:0002885.
Wilms tumor 1 (WT1). Also called: Wilms tumor, somatic. Identifiers: Orphanet 654, MedGen CN033288, MONDO:0008679, OMIM 194070.
Familial cancer of breast. Also called: BREAST CANCER, FAMILIAL; hereditary breast carcinoma; Hereditary breast cancer. Identifiers: Orphanet 227535, MedGen C0346153, MONDO:0016419, OMIM 114480. Disease mechanism: loss of function.
Hereditary cancer-predisposing syndrome. Also called: Neoplastic Syndromes, Hereditary; Tumor predisposition; Hereditary Cancer Syndrome; Hereditary neoplastic syndrome. Identifiers: Orphanet 140162, MedGen C0027672, MeSH D009386, MONDO:0015356.
Hereditary breast ovarian cancer syndrome. Also called: Breast and ovarian cancer; Hereditary breast and ovarian cancer; Hereditary breast and ovarian cancer syndrome (HBOC); Hereditary breast and ovarian cancer syndrome; BRCA1- and BRCA2-Associated Hereditary Breast and Ovarian Cancer; Hereditary breast and/or ovarian cancer syndrome. Identifiers: Orphanet 145, MedGen C0677776, MeSH D061325, MONDO:0003582. Disease mechanism: loss of function.

Submissions 1 to 10 of 19:

Evidence-based Network for the Interpretation of Germline Mutant Alleles (ENIGMA)
Classification: Pathogenic for Breast-ovarian cancer, familial, susceptibility to, 2. Last evaluated: 2016-09-08. Review status: reviewed by expert panel. Criteria: ENIGMA BRCA1/2 Classification Criteria (2015). Collection method: curation. Allele origin: germline.
Comment: Variant allele predicted to encode a truncated non-functional protein.

Ambry Genetics
Classification: Pathogenic for Hereditary cancer-predisposing syndrome. Last evaluated: 2025-12-18. Review status: criteria provided, single submitter. Criteria: Ambry Variant Classification Scheme 2023. Collection method: clinical testing. Allele origin: germline. Not counted in ClinVar's aggregate classification.
Comment: The c.8961_8964delGAGT pathogenic mutation, located in coding exon 22 of the BRCA2 gene, results from a deletion of 4 nucleotides at nucleotide positions 8961 to 8964, causing a translational frameshift with a predicted alternate stop codon (p.S2988Ffs*12). This mutation has been detected in multiple individuals with hereditary breast and/or ovarian cancer (Stuppia L et al. Hum. Mutat. 2003;22(2):178-9; Yang et al. Breast Cancer Res. Treat. 2017 Oct;165(3):687-697; Rebbeck et al. Hum. Mutat. 2018 05;39(5):593-620; Wang et al. BMC Cancer 2018 03;18:315; Ow et al. PLoS ONE 2019 Mar;14:e0213746). In one functional study using minigene assays, this mutation was predicted to disrupt the SF2/ASF and SRp55 protein complexes and create an exonic splicing silencer (Acedo A et al. Breast Cancer Res. 2012;14(3):R87). Of note, this alteration is also designated as 9189del4 in published literature. This variant is considered to be rare based on population cohorts in the Genome Aggregation Database (gnomAD). This alteration is expected to result in loss of function by premature protein truncation or nonsense-mediated mRNA decay. As such, this alteration is interpreted as a disease-causing mutation.

Labcorp Genetics (formerly Invitae), Labcorp
Classification: Pathogenic for Hereditary breast ovarian cancer syndrome. Last evaluated: 2025-11-19. Review status: criteria provided, single submitter. Criteria: Invitae Variant Classification Sherloc (09022015). Collection method: clinical testing. Allele origin: germline. Not counted in ClinVar's aggregate classification.
Comment: This sequence change creates a premature translational stop signal (p.Ser2988Phefs*12) in the BRCA2 gene. It is expected to result in an absent or disrupted protein product. Loss-of-function variants in BRCA2 are known to be pathogenic (PMID: 20104584). This variant is not present in population databases (gnomAD no frequency). This premature translational stop signal has been observed in individual(s) with breast cancer (PMID: 10923033, 12872265). This variant is also known as 9189del4. ClinVar contains an entry for this variant (Variation ID: 52714). For these reasons, this variant has been classified as Pathogenic.

Quest Diagnostics Nichols Institute San Juan Capistrano
Classification: Pathogenic. Last evaluated: 2025-01-31. Review status: criteria provided, single submitter. Criteria: Quest Diagnostics criteria. Collection method: clinical testing. Allele origin: unknown. Not counted in ClinVar's aggregate classification.
Comment: The BRCA2 c.8961_8964del (p.Ser2988Phefs*12) variant alters the translational reading frame of the BRCA2 mRNA and causes the premature termination of BRCA2 protein synthesis. This variant has been reported in the published literature in individuals affected with breast cancer (PMIDs: 33573335 (2021), 33471991 (2021), 12872265 (2003), see also LOVD). This variant has not been reported in large, multi-ethnic general populations (Genome Aggregation Database). Based on the available information, this variant is classified as pathogenic.

Institute of Human Genetics, University of Leipzig Medical Center
Classification: Pathogenic for Breast-ovarian cancer, familial, susceptibility to, 2. Last evaluated: 2023-12-28. Review status: criteria provided, single submitter. Criteria: ACMG Guidelines, 2015. Collection method: clinical testing. Allele origin: unknown. Inheritance: Autosomal dominant inheritance. Affected: yes. Not counted in ClinVar's aggregate classification.
Comment: Criteria applied: PVS1,PM5_STR,PM2_SUP

Baylor Genetics
Classification: Pathogenic for Familial cancer of breast. Last evaluated: 2023-04-22. Review status: criteria provided, single submitter. Criteria: ACMG Guidelines, 2015. Collection method: clinical testing. Allele origin: unknown. Not counted in ClinVar's aggregate classification.

GeneDx
Classification: Pathogenic. Last evaluated: 2023-01-05. Review status: criteria provided, single submitter. Criteria: GeneDx Variant Classification Process June 2021. Collection method: clinical testing. Allele origin: germline. Affected: yes. Not counted in ClinVar's aggregate classification.
Comment: Frameshift variant predicted to result in protein truncation or nonsense mediated decay in a gene for which loss of function is a known mechanism of disease; Not observed at significant frequency in large population cohorts (gnomAD); Truncating variants in this gene are considered pathogenic by a well-established clinical consortium and/or database; Also known as 9189_9192delGAGT; Observed in individuals with a personal or family history consistent with pathogenic variants in this gene (Stuppia et al., 2003; Tutt et al., 2010; Yang et al., 2017; Wang et al., 2018); This variant is associated with the following publications: (PMID: 22632462, 24578176, 20609467, 12872265, 29566657, 30875412, 30787465, 33573335, 28664506)

Institute of Human Genetics, University of Leipzig Medical Center
Classification: Pathogenic for Familial cancer of breast. Last evaluated: 2022-04-29. Review status: criteria provided, single submitter. Criteria: ACMG Guidelines, 2015. Collection method: clinical testing. Allele origin: unknown. Affected: yes. Not counted in ClinVar's aggregate classification.
Comment: _x000D_ Criteria applied: PVS1, PS4_MOD, PM2_SUP

National Health Laboratory Service, Universitas Academic Hospital and University of the Free State
Classification: Pathogenic for Hereditary breast ovarian cancer syndrome. Last evaluated: 2021-11-16. Review status: criteria provided, single submitter. Criteria: ACMG Guidelines, 2015. Collection method: clinical testing. Allele origin: germline. Affected: yes. Observed: 1 variant allele. Not counted in ClinVar's aggregate classification.

Sema4
Classification: Pathogenic for Hereditary cancer-predisposing syndrome. Last evaluated: 2021-08-23. Review status: criteria provided, single submitter. Criteria: Sema4 Curation Guidelines. Collection method: curation. Allele origin: germline. Not counted in ClinVar's aggregate classification.
Comment: The BRCA2 c.8961_8964delGAGT (p.S2988FfsX12) variant has been reported in heterozygosity in numerous individuals with a personal and/or family history of breast or ovarian cancer (PMID: 12872265, 29446198, 33471991, 28664506, 29566657, 30875412, 33573335). It is also known as 9189del4 in the literature. This variant causes a frameshift at amino acid 2988 that results in premature termination 12 amino acids downstream. At this location, this is predicted to cause nonsense-mediated decay and result in an absent protein (loss of function). Loss of function variants in BRCA1 or BRCA2 are known to be pathogenic (PMID: 29446198). This variant is not reported in the population database Genome Aggregation Database (PMID: 32461654). This variant has been reported in ClinVar (Variation ID: 52714). Based on the current evidence available, this variant is interpreted as pathogenic.